The following is an entry in ClinVar:

ClinVar aggregate classification (germline): Uncertain significance. Review status: criteria provided, multiple submitters, no conflicts (2 of 4 stars). 2 submissions from 2 submitters: Uncertain significance (2). Last evaluated 2025-06-04.

Conditions:
Pheochromocytoma/paraganglioma syndrome 5. Also called: Paragangliomas 5; SDHA-Related Hereditary Paraganglioma-Pheochromocytoma Syndrome. Identifiers: Orphanet 29072, MedGen C3279992, MONDO:0013602, OMIM 614165.
Mitochondrial complex II deficiency, nuclear type 1. Also called: SUCCINATE CoQ REDUCTASE DEFICIENCY. Identifiers: Orphanet 3208, MedGen C5700310, MONDO:0100294, OMIM 252011.
Hereditary cancer-predisposing syndrome. Also called: Tumor predisposition; Neoplastic Syndromes, Hereditary; Hereditary Cancer Syndrome; Hereditary neoplastic syndrome. Identifiers: Orphanet 140162, MedGen C0027672, MeSH D009386, MONDO:0015356.

Submissions (2):

Labcorp Genetics (formerly Invitae), Labcorp
Classification: Uncertain significance for Pheochromocytoma/paraganglioma syndrome 5; Mitochondrial complex II deficiency, nuclear type 1. Last evaluated: 2025-06-04. Review status: criteria provided, single submitter. Criteria: Invitae Variant Classification Sherloc (09022015). Collection method: clinical testing. Allele origin: germline.
Comment: This sequence change replaces threonine, which is neutral and polar, with isoleucine, which is neutral and non-polar, at codon 271 of the SDHA protein (p.Thr271Ile). This variant is not present in population databases (gnomAD no frequency). This variant has not been reported in the literature in individuals affected with SDHA-related conditions. ClinVar contains an entry for this variant (Variation ID: 659385). Invitae Evidence Modeling of protein sequence and biophysical properties (such as structural, functional, and spatial information, amino acid conservation, physicochemical variation, residue mobility, and thermodynamic stability) indicates that this missense variant is not expected to disrupt SDHA protein function with a negative predictive value of 95%. In summary, the available evidence is currently insufficient to determine the role of this variant in disease. Therefore, it has been classified as a Variant of Uncertain Significance.

Ambry Genetics
Classification: Uncertain significance for Hereditary cancer-predisposing syndrome. Last evaluated: 2024-07-09. Review status: criteria provided, single submitter. Criteria: Ambry Variant Classification Scheme 2023. Collection method: clinical testing. Allele origin: germline.
Comment: The p.T271I variant (also known as c.812C>T), located in coding exon 7 of the SDHA gene, results from a C to T substitution at nucleotide position 812. The threonine at codon 271 is replaced by isoleucine, an amino acid with similar properties. This amino acid position is conserved. In addition, this alteration is predicted to be deleterious by in silico analysis. Since supporting evidence is limited at this time, the clinical significance of this alteration remains unclear.

NM_004168.4(SDHA):c.812C>T (p.Thr271Ile)

Gene: SDHA (succinate dehydrogenase complex flavoprotein subunit A; plus strand). Cytogenetic location: 5p15.33.
Variant type: single nucleotide variant.
Coding change: c.812C>T on transcript NM_004168.4 (MANE Select); coding-DNA position 812, C replaced by T.
Protein change: p.Thr271Ile; replaces threonine 271 with isoleucine.
Molecular consequence: missense variant.
Genome position (GRCh38, 1-based): chr5:230,917, C>T. VCF-style: chr5-230917-C-T. GRCh37 (hg19) VCF-style: chr5-231032-C-T.
Other names: c.668C>T, p.Thr223Ile (NM_001294332.2); c.812C>T, p.Thr271Ile (NM_001330758.2); short protein forms T271I, T223I.
Identifiers: ClinVar variation 659385 (VCV000659385.12), dbSNP rs765611464, ClinGen allele CA359011656.